The following is an entry in ClinVar:

ClinVar aggregate classification (germline): Conflicting classifications of pathogenicity. Review status: criteria provided, conflicting classifications (1 of 4 stars). 3 submissions from 3 submitters: Uncertain significance (2); Likely benign (1). Last evaluated 2026-07-09.

Conditions:
Familial thoracic aortic aneurysm and aortic dissection (TAAD). Also called: Thoracic aortic aneurysms and dissections. Identifiers: Orphanet 91387, MedGen C4707243, MONDO:0019625.

gnomAD v4.1: 2 of 1,614,072 alleles (0.00012%); highest among the groups gnomAD compares: Admixed American, 0.0033%; no homozygotes.

Submissions (3):

Ambry Genetics
Classification: Likely benign for Familial thoracic aortic aneurysm and aortic dissection. Last evaluated: 2026-07-09. Review status: criteria provided, single submitter. Criteria: Ambry Variant Classification Scheme 2023. Collection method: clinical testing. Allele origin: germline.

Women's Health and Genetics/Laboratory Corporation of America, LabCorp
Classification: Uncertain significance. Last evaluated: 2026-01-12. Review status: criteria provided, single submitter. Criteria: LabCorp Variant Classification Summary - May 2015. Collection method: clinical testing. Allele origin: germline.
Comment: Variant summary: TGFB2 c.242A>G (p.Lys81Arg) results in a conservative amino acid change in the encoded protein sequence. Algorithms developed to predict the effect of missense changes on protein structure and function are either unavailable or do not agree on the potential impact of this missense change. The variant was absent in 249158 control chromosomes. The available data on variant occurrences in the general population are insufficient to allow any conclusion about variant significance. To our knowledge, no occurrence of c.242A>G in individuals affected with TGFB2-related conditions and no experimental evidence demonstrating its impact on protein function have been reported. ClinVar contains an entry for this variant (Variation ID: 3383779). Based on the evidence outlined above, the variant was classified as uncertain significance.

GeneDx
Classification: Uncertain significance. Last evaluated: 2024-05-30. Review status: criteria provided, single submitter. Criteria: GeneDx Variant Classification Process June 2021. Collection method: clinical testing. Allele origin: germline. Affected: yes.
Comment: Not observed at significant frequency in large population cohorts (gnomAD); In silico analysis indicates that this missense variant does not alter protein structure/function; Has not been previously published as pathogenic or benign to our knowledge

NM_003238.6(TGFB2):c.242A>G (p.Lys81Arg)

Gene: TGFB2 (transforming growth factor beta 2; plus strand). Cytogenetic location: 1q41.
Variant type: single nucleotide variant.
Coding change: c.242A>G on transcript NM_003238.6 (MANE Select); coding-DNA position 242, A replaced by G.
Protein change: p.Lys81Arg; replaces lysine 81 with arginine.
Molecular consequence: missense variant. On other transcripts: non-coding transcript variant (2).
Genome position (GRCh38, 1-based): chr1:218,346,943, A>G. VCF-style: chr1-218346943-A-G. GRCh37 (hg19) VCF-style: chr1-218520285-A-G.
Other names: c.242A>G, p.Lys81Arg (NM_001135599.4); short protein forms K81R.
Identifiers: ClinVar variation 3383779 (VCV003383779.3).
Genomic context (GRCh38, chr1:218,346,943, plus strand): 5'-AGGAAGTCCCCCCGGAGGTGATTTCCATCTACAACAGCACCAGGGACTTGCTCCAGGAGA[A>G]GGCGAGCCGGAGGGCGGCCGCCTGCGAGCGCGAGAGGAGCGACGAAGAGTACTACGCCAA-3'
Protein context (NP_003229.1, residues 71-91): YNSTRDLLQE[Lys81Arg]ASRRAAACER